The following is an entry in ClinVar:

NM_000038.6(APC):c.6092G>T (p.Ser2031Ile)

Gene: APC (APC regulator of Wnt signaling pathway; plus strand). Cytogenetic location: 5q22.2.
Variant type: single nucleotide variant.
Coding change: c.6092G>T on transcript NM_000038.6 (MANE Select); coding-DNA position 6092, G replaced by T.
Protein change: p.Ser2031Ile; replaces serine 2031 with isoleucine.
Molecular consequence: missense variant. On other transcripts: non-coding transcript variant (2).
Genome position (GRCh38, 1-based): chr5:112,841,686, G>T. VCF-style: chr5-112841686-G-T. GRCh37 (hg19) VCF-style: chr5-112177383-G-T.
Other names: c.6092G>T, p.Ser2031Ile (NM_001127510.3, NM_001354895.2, NM_001407450.1); c.6038G>T, p.Ser2013Ile (NM_001127511.3); c.6146G>T, p.Ser2049Ile (NM_001354896.2, NM_001407447.1, NM_001407448.1 and 1 more transcripts); c.6122G>T, p.Ser2041Ile (NM_001354897.2); c.6017G>T, p.Ser2006Ile (NM_001354898.2); c.6008G>T, p.Ser2003Ile (NM_001354899.2); c.5969G>T, p.Ser1990Ile (NM_001354900.2); c.5915G>T, p.Ser1972Ile (NM_001354901.2, NM_001407453.1); and 11 more; short protein forms S1902I, S2013I, S1905I, S1990I, S2031I, S2059I, S1647I, S1748I.
Identifiers: ClinVar variation 2567013 (VCV002567013.4), dbSNP rs1580667450, ClinGen allele CA16034666.
Genomic context (GRCh38, chr5:112,841,686, plus strand): 5'-CATTTCATGTTGAAGATACCCCAGTTTGTTTCTCAAGAAACAGTTCTCTCAGTTCTCTTA[G>T]TATTGACTCTGAAGATGACCTGTTGCAGGAATGTATAAGCTCCGCAATGCCAAAAAAGAA-3'
Protein context (NP_000029.2, residues 2021-2041): FSRNSSLSSL[Ser2031Ile]IDSEDDLLQE

ClinVar aggregate classification (germline): Uncertain significance. Review status: criteria provided, multiple submitters, no conflicts (2 of 4 stars). 3 submissions from 3 submitters: Uncertain significance (3). Last evaluated 2024-05-31.

Conditions:
Hereditary cancer-predisposing syndrome. Also called: Hereditary neoplastic syndrome; Hereditary Cancer Syndrome; Neoplastic Syndromes, Hereditary; Tumor predisposition. Identifiers: Orphanet 140162, MedGen C0027672, MeSH D009386, MONDO:0015356.

Submissions (3):

Color Diagnostics, LLC DBA Color Health
Classification: Uncertain significance for Hereditary cancer-predisposing syndrome. Last evaluated: 2024-05-31. Review status: criteria provided, single submitter. Criteria: ACMG Guidelines, 2015. Collection method: clinical testing. Allele origin: germline.
Comment: This missense variant replaces serine with isoleucine at codon 2031 of the APC protein. Computational prediction suggests that this variant may have deleterious impact on protein structure and function (internally defined REVEL score threshold >= 0.7, PMID: 27666373). To our knowledge, functional studies have not been reported for this variant. This variant has not been reported in individuals affected with APC-related disorders in the literature. This variant has not been identified in the general population by the Genome Aggregation Database (gnomAD). The available evidence is insufficient to determine the role of this variant in disease conclusively. Therefore, this variant is classified as a Variant of Uncertain Significance.

Quest Diagnostics Nichols Institute San Juan Capistrano
Classification: Uncertain significance. Last evaluated: 2023-12-29. Review status: criteria provided, single submitter. Criteria: Quest Diagnostics criteria. Collection method: clinical testing. Allele origin: unknown.
Comment: The APC c.6092G>T (p.Ser2031Ile) variant has not been reported in individuals with APC-related conditions in the published literature. It also has not been reported in large, multi-ethnic general populations (Genome Aggregation Database). Analysis of this variant using bioinformatics tools for the prediction of the effect of amino acid changes on protein structure and function yielded predictions that this variant is damaging. Based on the available information, we are unable to determine the clinical significance of this variant.

Ambry Genetics
Classification: Uncertain significance for Hereditary cancer-predisposing syndrome. Last evaluated: 2023-05-02. Review status: criteria provided, single submitter. Criteria: Ambry Variant Classification Scheme 2023. Collection method: clinical testing. Allele origin: germline.
Comment: The p.S2031I variant (also known as c.6092G>T), located in coding exon 15 of the APC gene, results from a G to T substitution at nucleotide position 6092. The serine at codon 2031 is replaced by isoleucine, an amino acid with dissimilar properties. This amino acid position is conserved. In addition, in silico predictors for this gene do not accurately predict pathogenicity. Since supporting evidence is limited at this time, the clinical significance of this alteration remains unclear.